The following is an entry in ClinVar:

NM_001302998.2(LIPI):c.46+3946dup

Gene: LIPI (lipase I; minus strand). Cytogenetic location: 21q11.2.
Variant type: Duplication.
Coding change: c.46+3946dup on transcript NM_001302998.2 (MANE Select); 3946 bases into the intron after coding-DNA position 46, one base duplicated (A; older notation c.46+3946dupA).
Molecular consequence: intron variant. On other transcripts: 5 prime UTR variant (1).
Genome position (GRCh38, 1-based): chr21:14,206,854, T duplicated on the plus strand (A on the coding strand, the reverse complement: LIPI is on the minus strand). VCF-style (leftmost placement, unchanged base first): chr21-14206853-C-CT. GRCh37 (hg19) VCF-style: chr21-15579174-C-CT.
Other names: c.-129dup (NM_198996.4); c.46+3946dup (NM_001379566.1, NM_001302999.2, NM_001379565.1 and 2 more transcripts).
Identifiers: ClinVar variation 2047738 (VCV002047738.4), dbSNP rs751010025, ClinGen allele CA9979790.
Genomic context (GRCh38, chr21:14,206,853, plus strand): 5'-AAGTGAAGTTAAAAGAGATTACCTGATCTCAGGCACACAACTAGAAGCCACAGGACATTT[C>CT]TGGGTGAGAACTGAAAAGCATGAGCACTATATTTTTGGCACAAGTTATTATGTAAACATT-3'

ClinVar aggregate classification (germline): Uncertain significance (1 of 4 stars; one submission).

Allele frequency attached by ClinVar (database versions not stated): TOPMed 0.00007; gnomAD exomes 0.00009; ExAC 0.00018; gnomAD 0.00007.

Submission:

Labcorp Genetics (formerly Invitae), Labcorp
Classification: Uncertain significance. Last evaluated: 2026-01-18. Review status: criteria provided, single submitter. Criteria: Invitae Variant Classification Sherloc (09022015). Collection method: clinical testing. Allele origin: germline.
Comment: This sequence change creates a premature translational stop signal (p.Arg24Lysfs*15) in the LIPI gene. It is expected to result in an absent or disrupted protein product. However, the current clinical and genetic evidence is not sufficient to establish whether loss-of-function variants in LIPI cause disease. This variant is present in population databases (rs751010025, gnomAD 0.1%), and has an allele count higher than expected for a pathogenic variant. This variant has not been reported in the literature in individuals affected with LIPI-related conditions. ClinVar contains an entry for this variant (Variation ID: 2047738). In summary, the available evidence is currently insufficient to determine the role of this variant in disease. Therefore, it has been classified as a Variant of Uncertain Significance.